The following is an entry in ClinVar:

ClinVar aggregate classification (germline): Uncertain significance (1 of 4 stars; one submission).

Allele frequency attached by ClinVar (database versions not stated): gnomAD 0.00001; TOPMed 0.00003; gnomAD exomes 0.00004 and 0.00010; ESP Exome Variant Server 0.00008; ExAC 0.00010.
gnomAD v4.1: 64 of 1,613,466 alleles (0.004%); highest among the groups gnomAD compares: Middle Eastern, 0.033%; 1 homozygote.

Submission:

Labcorp Genetics (formerly Invitae), Labcorp
Classification: Uncertain significance. Last evaluated: 2022-10-17. Review status: criteria provided, single submitter. Criteria: Invitae Variant Classification Sherloc (09022015). Collection method: clinical testing. Allele origin: germline.
Comment: This sequence change replaces arginine, which is basic and polar, with histidine, which is basic and polar, at codon 162 of the KIZ protein (p.Arg162His). This variant is present in population databases (rs373137306, gnomAD 0.03%). This variant has not been reported in the literature in individuals affected with KIZ-related conditions. ClinVar contains an entry for this variant (Variation ID: 967358). Experimental studies and prediction algorithms are not available or were not evaluated, and the functional significance of this variant is currently unknown. In summary, the available evidence is currently insufficient to determine the role of this variant in disease. Therefore, it has been classified as a Variant of Uncertain Significance.

NM_018474.6(KIZ):c.485G>A (p.Arg162His)

Gene: KIZ (kizuna centrosomal protein; plus strand). Cytogenetic location: 20p11.23.
Variant type: single nucleotide variant.
Coding change: c.485G>A on transcript NM_018474.6 (MANE Select); coding-DNA position 485, G replaced by A.
Protein change: p.Arg162His; replaces arginine 162 with histidine.
Molecular consequence: missense variant.
Genome position (GRCh38, 1-based): chr20:21,161,950, G>A. VCF-style: chr20-21161950-G-A. GRCh37 (hg19) VCF-style: chr20-21142591-G-A.
Other names: c.485G>A, p.Arg162His (NM_001352434.2); c.176G>A, p.Arg59His (NM_001352435.2, NM_001163022.3); c.143G>A, p.Arg48His (NM_001352436.2); c.86G>A, p.Arg29His (NM_001163023.3); c.338G>A, p.Arg113His (NM_001276389.2); short protein forms R162H, R59H, R113H, R29H, R48H.
Identifiers: ClinVar variation 967358 (VCV000967358.7), dbSNP rs373137306, ClinGen allele CA9784656.